The following is an entry in ClinVar:

NM_001394998.1(TANC2):c.5519G>A (p.Ser1840Asn)

Gene: TANC2 (tetratricopeptide repeat, ankyrin repeat and coiled-coil containing 2; plus strand). Cytogenetic location: 17q23.3.
Variant type: single nucleotide variant.
Coding change: c.5519G>A on transcript NM_001394998.1 (MANE Select); coding-DNA position 5519, G replaced by A.
Protein change: p.Ser1840Asn; replaces serine 1840 with asparagine.
Molecular consequence: missense variant.
Genome position (GRCh38, 1-based): chr17:63,421,249, G>A. VCF-style: chr17-63421249-G-A. GRCh37 (hg19) VCF-style: chr17-61498610-G-A.
Other names: c.5267G>A, p.Ser1756Asn (NM_025185.4); short protein forms S1756N, S1840N.
Identifiers: ClinVar variation 1699289 (VCV001699289.4), dbSNP rs2147427904, ClinGen allele CA400546316.

ClinVar aggregate classification (germline): Conflicting classifications of pathogenicity. Review status: criteria provided, conflicting classifications (1 of 4 stars). 2 submissions from 2 submitters: Uncertain significance (1); Likely benign (1). Last evaluated 2024-09-20.

Conditions:
Intellectual developmental disorder with autistic features and language delay, with or without seizures. Identifiers: MedGen C5394447, MONDO:0030051, OMIM 618906.

Submissions (2):

3billion
Classification: Likely benign for Intellectual developmental disorder with autistic features and language delay, with or without seizures. Last evaluated: 2024-09-20. Review status: criteria provided, single submitter. Criteria: ACMG Guidelines, 2015. Collection method: clinical testing. Allele origin: germline. Affected: no.
Comment: The variant was identified in at least one patient who was diagnosed with a different variant in another gene and showed no symptoms related to the gene containing the variant in question.

Victorian Clinical Genetics Services, Murdoch Childrens Research Institute
Classification: Uncertain significance for Intellectual developmental disorder with autistic features and language delay, with or without seizures. Last evaluated: 2022-06-24. Review status: criteria provided, single submitter. Criteria: ACMG Guidelines, 2015. Collection method: clinical testing. Allele origin: germline. Inheritance: Autosomal dominant inheritance. Affected: yes.
Comment: Based on the classification scheme VCGS_Germline_v1.3.4, this variant is classified as VUS-3C. Following criteria are met: 0102 - Loss of function is a known mechanism of disease in this gene and is associated with intellectual developmental disorder with autistic features and language delay, with or without seizures (MIM#618906). The mechanism of missense variants is unclear. (I) 0107 - This gene is associated with autosomal dominant disease. (I) 0200 - Variant is predicted to result in a missense amino acid change from serine to asparagine. (I) 0251 - This variant is heterozygous. (I) 0301 - Variant is absent from gnomAD (both v2 and v3). (SP) 0309 - An alternative amino acid change at the same position has been observed in gnomAD (v2) (1 heterozygote, 0 homozygotes). (I) 0503 - Missense variant consistently predicted to be tolerated by multiple in silico tools or not conserved in placental mammals with a minor amino acid change. (SB) 0604 - Variant is not located in an established domain, motif, hotspot or informative constraint region. (I) 0705 - No comparable missense variants have previous evidence for pathogenicity. (I) 0807 - This variant has no previous evidence of pathogenicity. (I) 0905 - No published segregation evidence has been identified for this variant. (I) 1007 - No published functional evidence has been identified for this variant. (I) 1208 - Inheritance information for this variant is not currently available in this individual. (I) Legend: (SP) - Supporting pathogenic, (I) - Information, (SB) - Supporting benign